The following is an entry in ClinVar:

ClinVar aggregate classification (germline): Uncertain significance. Review status: criteria provided, multiple submitters, no conflicts (2 of 4 stars). 2 submissions from 2 submitters: Uncertain significance (2). Last evaluated 2025-06-10.

Conditions:
Inborn genetic diseases. Identifiers: MedGen C0950123, MeSH D030342.
Peroxisome biogenesis disorder. Identifiers: Orphanet 79189, MedGen C1832200, MONDO:0019234. Disease mechanism: loss of function.

Allele frequency attached by ClinVar (database versions not stated): ExAC 0.00001; gnomAD 0.00001; TOPMed 0.00001; gnomAD exomes 0.00003.
gnomAD v4.1: 45 of 1,613,784 alleles (0.0028%); highest among the groups gnomAD compares: Non-Finnish European, 0.0037%; no homozygotes.

Submissions (2):

Ambry Genetics
Classification: Uncertain significance for Inborn genetic diseases. Last evaluated: 2025-06-10. Review status: criteria provided, single submitter. Criteria: Ambry Variant Classification Scheme 2023. Collection method: clinical testing. Allele origin: germline.

Labcorp Genetics (formerly Invitae), Labcorp
Classification: Uncertain significance for Peroxisome biogenesis disorder. Last evaluated: 2022-05-07. Review status: criteria provided, single submitter. Criteria: Invitae Variant Classification Sherloc (09022015). Collection method: clinical testing. Allele origin: germline.
Comment: This sequence change replaces glycine, which is neutral and non-polar, with serine, which is neutral and polar, at codon 339 of the PEX6 protein (p.Gly339Ser). This variant is present in population databases (rs761781513, gnomAD 0.007%). This variant has not been reported in the literature in individuals affected with PEX6-related conditions. Algorithms developed to predict the effect of missense changes on protein structure and function (SIFT, PolyPhen-2, Align-GVGD) all suggest that this variant is likely to be tolerated. Algorithms developed to predict the effect of sequence changes on RNA splicing suggest that this variant may create or strengthen a splice site. In summary, the available evidence is currently insufficient to determine the role of this variant in disease. Therefore, it has been classified as a Variant of Uncertain Significance.

NM_000287.4(PEX6):c.1015G>A (p.Gly339Ser)

Gene: PEX6 (peroxisomal biogenesis factor 6; minus strand). Cytogenetic location: 6p21.1.
Variant type: single nucleotide variant.
Coding change: c.1015G>A on transcript NM_000287.4 (MANE Select); coding-DNA position 1015, G replaced by A.
Protein change: p.Gly339Ser; replaces glycine 339 with serine.
Molecular consequence: missense variant. On other transcripts: non-coding transcript variant (1).
Genome position (GRCh38, 1-based): chr6:42,974,906, C>T on the plus strand (G>A on the coding strand, the complement: PEX6 is on the minus strand). VCF-style: chr6-42974906-C-T. GRCh37 (hg19) VCF-style: chr6-42942644-C-T.
Other names: c.751G>A, p.Gly251Ser (NM_001316313.2); c.1015G>A (NM_000287.3); short protein forms G339S, G251S.
Identifiers: ClinVar variation 2202045 (VCV002202045.2), dbSNP rs761781513, ClinGen allele CA3811492.